The following is an entry in ClinVar:

NM_001693.4(ATP6V1B2):c.1035C>T (p.Asn345=)

Gene: ATP6V1B2 (ATPase H+ transporting V1 subunit B2; plus strand). Cytogenetic location: 8p21.3.
Variant type: single nucleotide variant.
Coding change: c.1035C>T on transcript NM_001693.4 (MANE Select); coding-DNA position 1035, C replaced by T.
Protein change: p.Asn345=; no amino-acid change (asparagine 345 retained).
Molecular consequence: synonymous variant.
Genome position (GRCh38, 1-based): chr8:20,214,925, C>T. VCF-style: chr8-20214925-C-T. GRCh37 (hg19) VCF-style: chr8-20072436-C-T.
Identifiers: ClinVar variation 4084444 (VCV004084444.8).

ClinVar aggregate classification (germline): Likely benign (1 of 4 stars; one submission).

Submission:

CeGaT Center for Human Genetics Tuebingen
Classification: Likely benign. Last evaluated: 2026-05-01. Review status: criteria provided, single submitter. Criteria: CeGaT Center For Human Genetics Tuebingen Variant Classification Criteria Version 2. Collection method: clinical testing. Allele origin: germline. Affected: yes. Observed: 2 variant alleles.
Comment: ATP6V1B2: BP4, BP7